The following is an entry in ClinVar:

NM_001386140.1(MTTP):c.1953_1954del (p.Phe651fs)

Gene: MTTP (microsomal triglyceride transfer protein; plus strand). Cytogenetic location: 4q23.
Variant type: Deletion.
Coding change: c.1953_1954del on transcript NM_001386140.1 (MANE Select); coding-DNA positions 1953 to 1954, 2 bases deleted (TC; older notation c.1953_1954delTC).
Protein change: p.Phe651fs; shifts the reading frame from phenylalanine 651.
Molecular consequence: frameshift variant.
Genome position (GRCh38, 1-based): chr4:99,611,417-99,611,418, TC deleted. VCF-style (leftmost placement, unchanged base first): chr4-99611416-TTC-T. GRCh37 (hg19) VCF-style: chr4-100532573-TTC-T.
Other names: c.1953_1954del, p.Phe651fs (NM_000253.4); c.1704_1705del, p.Phe568fs (NM_001300785.2); short protein forms F568fs, F651fs.
Identifiers: ClinVar variation 1724469 (VCV001724469.2), dbSNP rs2476146041, ClinGen allele CA2580071914.

ClinVar aggregate classification (germline): Likely pathogenic (1 of 4 stars; one submission).

Conditions:
Abetalipoproteinaemia (ABL). Also called: Abetalipoproteinemia; Abetalipoproteinemia neuropathy; Apolipoprotein B deficiency; Congenital betalipoprotein deficiency syndrome; MTP DEFICIENCY. Identifiers: Orphanet 14, MedGen C0000744, MONDO:0008692, OMIM 200100, HP:0008181.

Submission:

Myriad Genetics, Inc.
Classification: Likely pathogenic for Abetalipoproteinaemia. Last evaluated: 2022-02-17. Review status: criteria provided, single submitter. Criteria: Myriad Women's Health Autosomal Recessive and X-Linked Classification Criteria (2021). Collection method: clinical testing. Allele origin: unknown.
Comment: NM_000253.2(MTTP):c.1953_1954delTC(F651Lfs*11) is expected to be pathogenic in the context of abetalipoproteinemia. This variant is predicted to lead to an abnormal or absent protein product due to the creation of a premature termination codon in MTTP, a gene where loss-of-function variants are known to be pathogenic. Please note: this variant was assessed in the context of healthy population screening.